The following is an entry in ClinVar:

NM_000256.3(MYBPC3):c.2568G>A (p.Arg856=)

Gene: MYBPC3 (myosin binding protein C3; minus strand). Cytogenetic location: 11p11.2.
Variant type: single nucleotide variant.
Coding change: c.2568G>A on transcript NM_000256.3 (MANE Select); coding-DNA position 2568, G replaced by A.
Protein change: p.Arg856=; no amino-acid change (arginine 856 retained).
Molecular consequence: synonymous variant.
Genome position (GRCh38, 1-based): chr11:47,337,425, C>T on the plus strand (G>A on the coding strand, the complement: MYBPC3 is on the minus strand). VCF-style: chr11-47337425-C-T. GRCh37 (hg19) VCF-style: chr11-47358976-C-T.
Other names: c.2568G>A, p.Arg856= (LRG_386t1).
Identifiers: ClinVar variation 382855 (VCV000382855.6), dbSNP rs773032022, ClinGen allele CA16605924.

ClinVar aggregate classification (germline): Likely benign. Review status: criteria provided, multiple submitters, no conflicts (2 of 4 stars). 3 submissions from 3 submitters: Likely benign (3). Last evaluated 2023-09-22.

Conditions:
Cardiomyopathy (CMYO). Also called: Cardiomyopathies. Identifiers: Orphanet 167848, MedGen C0878544, MONDO:0004994, HP:0001638. Inheritance: Various modes of inheritance.
Hypertrophic cardiomyopathy. Also called: HYPERTROPHIC MYOCARDIOPATHY. Identifiers: Orphanet 217569, MedGen C0007194, MeSH D002312, MONDO:0005045, HP:0001639.

gnomAD v4.1: 1 of 1,607,428 alleles (0.000062%); highest among the groups gnomAD compares: East Asian, 0.0022%; no homozygotes.

Submissions (3):

Labcorp Genetics (formerly Invitae), Labcorp
Classification: Likely benign for Hypertrophic cardiomyopathy. Last evaluated: 2023-09-22. Review status: criteria provided, single submitter. Criteria: Invitae Variant Classification Sherloc (09022015). Collection method: clinical testing. Allele origin: germline.

Color Diagnostics, LLC DBA Color Health
Classification: Likely benign for Cardiomyopathy. Last evaluated: 2019-07-15. Review status: criteria provided, single submitter. Criteria: ACMG Guidelines, 2015. Collection method: clinical testing. Allele origin: germline.

GeneDx
Classification: Likely benign. Last evaluated: 2016-01-11. Review status: criteria provided, single submitter. Criteria: GeneDx Variant Classification (06012015). Collection method: clinical testing. Allele origin: germline. Affected: yes.
Comment: This variant is considered likely benign or benign based on one or more of the following criteria: it is a conservative change, it occurs at a poorly conserved position in the protein, it is predicted to be benign by multiple in silico algorithms, and/or has population frequency not consistent with disease.